The following is an entry in ClinVar:

NM_014633.5(CTR9):c.2934C>T (p.Gly978=)

Gene: CTR9 (CTR9 component of Paf1/RNA polymerase II complex; plus strand). Cytogenetic location: 11p15.4.
Variant type: single nucleotide variant.
Coding change: c.2934C>T on transcript NM_014633.5 (MANE Select); coding-DNA position 2934, C replaced by T.
Protein change: p.Gly978=; no amino-acid change (glycine 978 retained).
Molecular consequence: synonymous variant.
Genome position (GRCh38, 1-based): chr11:10,775,255, C>T. VCF-style: chr11-10775255-C-T. GRCh37 (hg19) VCF-style: chr11-10796802-C-T.
Other names: c.2862C>T, p.Gly954= (NM_001346279.2).
Identifiers: ClinVar variation 3342178 (VCV003342178.16).

ClinVar aggregate classification (germline): Likely benign (1 of 4 stars; one submission).

Submission:

CeGaT Center for Human Genetics Tuebingen
Classification: Likely benign. Last evaluated: 2024-08-01. Review status: criteria provided, single submitter. Criteria: CeGaT Center For Human Genetics Tuebingen Variant Classification Criteria Version 2. Collection method: clinical testing. Allele origin: germline. Affected: yes. Observed: 1 variant allele.
Comment: CTR9: PM2:Supporting, BP4, BP7